The following is an entry in ClinVar:

NM_018418.5(SPATA7):c.168_169del (p.Tyr56_Asn57delinsTer)

Gene: SPATA7 (spermatogenesis associated 7; plus strand). Cytogenetic location: 14q31.3.
Variant type: Microsatellite.
Coding change: c.168_169del on transcript NM_018418.5 (MANE Select); coding-DNA positions 168 to 169, 2 bases deleted (TA; older notation c.168_169delTA).
Protein change: p.Tyr56_Asn57delinsTer.
Molecular consequence: nonsense. On other transcripts: intron variant (1).
Genome position (GRCh38, 1-based): chr14:88,393,466-88,393,467, TA deleted; deleting any 2 consecutive bases within chr14:88,393,464-88,393,467 gives the same sequence; the c. name uses the placement nearest the transcript's 3' end. VCF-style (leftmost placement, unchanged base first): chr14-88393463-CTA-C. GRCh37 (hg19) VCF-style: chr14-88859807-CTA-C.
Other names: c.94+2011_94+2012del (NM_001040428.4).
Identifiers: ClinVar variation 4785847 (VCV004785847.1).

ClinVar aggregate classification (germline): Pathogenic (1 of 4 stars; one submission).

Conditions:
Leber congenital amaurosis 3 (LCA3). Also called: SPATA7-Related Retinitis Pigmentosa. Identifiers: MedGen C1858677, MONDO:0011415, OMIM 604232.

Submission:

Labcorp Genetics (formerly Invitae), Labcorp
Classification: Pathogenic for Leber congenital amaurosis 3. Last evaluated: 2025-08-16. Review status: criteria provided, single submitter. Criteria: Invitae Variant Classification Sherloc (09022015). Collection method: clinical testing. Allele origin: germline.
Comment: This sequence change creates a premature translational stop signal (p.Tyr56*) in the SPATA7 gene. It is expected to result in an absent or disrupted protein product. Loss-of-function variants in SPATA7 are known to be pathogenic (PMID: 19268277, 22334370, 23847139, 26047050, 26261414). This variant is not present in population databases (gnomAD no frequency). This variant has not been reported in the literature in individuals affected with SPATA7-related conditions. Algorithms developed to predict the effect of sequence changes on RNA splicing suggest that this variant may disrupt the consensus splice site. For these reasons, this variant has been classified as Pathogenic.

Literature cited by the submitters: PubMed 19268277; PubMed 22334370; PubMed 23847139; PubMed 26047050; PubMed 26261414.